The following is an entry in ClinVar:

ClinVar aggregate classification (germline): Uncertain significance (1 of 4 stars; one submission).

Conditions:
Symmetrical dyschromatosis of extremities (DSH). Also called: DYSCHROMATOSIS SYMMETRICA HEREDITARIA 1; RETICULATE ACROPIGMENTATION OF DOHI; SYMMETRIC DYSCHROMATOSIS OF THE EXTREMITIES; Dyschromatosis symmetrica hereditaria. Identifiers: Orphanet 41, MedGen C0406775, MONDO:0007483, OMIM 127400.
Aicardi-Goutieres syndrome 6 (AGS6). Identifiers: Orphanet 51, MedGen C3539013, MONDO:0014007, OMIM 615010.

Submission:

Labcorp Genetics (formerly Invitae), Labcorp
Classification: Uncertain significance for Aicardi-Goutieres syndrome 6; Symmetrical dyschromatosis of extremities. Last evaluated: 2022-12-23. Review status: criteria provided, single submitter. Criteria: Invitae Variant Classification Sherloc (09022015). Collection method: clinical testing. Allele origin: germline.
Comment: Advanced modeling of protein sequence and biophysical properties (such as structural, functional, and spatial information, amino acid conservation, physicochemical variation, residue mobility, and thermodynamic stability) has been performed at Invitae for this missense variant, however the output from this modeling did not meet the statistical confidence thresholds required to predict the impact of this variant on ADAR protein function. In summary, the available evidence is currently insufficient to determine the role of this variant in disease. Therefore, it has been classified as a Variant of Uncertain Significance. This variant has not been reported in the literature in individuals affected with ADAR-related conditions. This variant is not present in population databases (gnomAD no frequency). This sequence change replaces threonine, which is neutral and polar, with isoleucine, which is neutral and non-polar, at codon 1010 of the ADAR protein (p.Thr1010Ile).

NM_001111.5(ADAR):c.3029C>T (p.Thr1010Ile)

Gene: ADAR (adenosine deaminase RNA specific; minus strand). Cytogenetic location: 1q21.3.
Variant type: single nucleotide variant.
Coding change: c.3029C>T on transcript NM_001111.5 (MANE Select); coding-DNA position 3029, C replaced by T.
Protein change: p.Thr1010Ile; replaces threonine 1010 with isoleucine.
Molecular consequence: missense variant.
Genome position (GRCh38, 1-based): chr1:154,586,354, G>A on the plus strand (C>T on the coding strand, the complement: ADAR is on the minus strand). VCF-style: chr1-154586354-G-A. GRCh37 (hg19) VCF-style: chr1-154558830-G-A.
Other names: c.2144C>T, p.Thr715Ile (NM_001025107.3, NM_001193495.2, NM_001365046.1 and 2 more transcripts); c.3056C>T, p.Thr1019Ile (NM_001365045.1); c.2066C>T, p.Thr689Ile (NM_001365049.1); c.2951C>T, p.Thr984Ile (NM_015840.4); c.2894C>T, p.Thr965Ile (NM_015841.4); short protein forms T689I, T984I, T1019I, T715I, T965I, T1010I.
Identifiers: ClinVar variation 2942641 (VCV002942641.3), dbSNP rs2526466682, ClinGen allele CA342635881.
Genomic context (GRCh38, chr1:154,586,354, plus strand): 5'-CTCTCCCCGAGCCGAATGCCATCCCACGTAGGCACAATGTCACTGGATTCCACAGGGATT[G>A]TGCCTTCTCCTGTGTGAGAGACTTGGGTCAGACCCACAGGCGCCAATGGACCAAACCACT-3'
Protein context (NP_001102.3, residues 1000-1020): LRTKVENGEG[Thr1010Ile]IPVESSDIVP